The following is an entry in ClinVar:

NM_000179.3(MSH6):c.2719del (p.Thr906_Val907insTer)

Gene: MSH6 (mutS homolog 6; plus strand). Cytogenetic location: 2p16.3.
Variant type: Deletion.
Coding change: c.2719del on transcript NM_000179.3 (MANE Select); coding-DNA position 2719, one base deleted (G; older notation c.2719delG).
Protein change: p.Thr906_Val907insTer.
Molecular consequence: nonsense.
Genome position (GRCh38, 1-based): chr2:47,800,702, G deleted. VCF-style (leftmost placement, unchanged base first): chr2-47800701-TG-T. GRCh37 (hg19) VCF-style: chr2-48027840-TG-T.
Other names: c.2719delG (NM_000179.2); c.2329del, p.Thr776_Val777insTer (NM_001281492.2); c.1813del, p.Thr604_Val605insTer (NM_001281493.2, NM_001281494.2).
Identifiers: ClinVar variation 973409 (VCV000973409.2), dbSNP rs1669502158, ClinGen allele CA1139655904.

ClinVar aggregate classification (germline): Pathogenic. Review status: criteria provided, single submitter (1 of 4 stars). 2 submissions from 2 submitters: Pathogenic (1). 1 of the submissions does not count toward it. Last evaluated 2024-06-13.

Conditions:
Hereditary cancer-predisposing syndrome. Also called: Hereditary Cancer Syndrome; Hereditary neoplastic syndrome; Tumor predisposition; Neoplastic Syndromes, Hereditary. Identifiers: Orphanet 140162, MedGen C0027672, MeSH D009386, MONDO:0015356.
Lynch-like syndrome.

Submissions (2):

Ambry Genetics
Classification: Pathogenic for Hereditary cancer-predisposing syndrome. Last evaluated: 2024-06-13. Review status: criteria provided, single submitter. Criteria: Ambry Variant Classification Scheme 2023. Collection method: clinical testing. Allele origin: germline.
Comment: The c.2719delG pathogenic mutation, located in coding exon 4 of the MSH6 gene, results from a deletion of one nucleotide at nucleotide position 2719, causing a translational frameshift with a predicted alternate stop codon (p.V907*). This variant is considered to be rare based on population cohorts in the Genome Aggregation Database (gnomAD). This alteration is expected to result in loss of function by premature protein truncation or nonsense-mediated mRNA decay. As such, this alteration is interpreted as a disease-causing mutation.

Constitutional Genetics Lab, Leon Berard Cancer Center
Classification: Pathogenic for Lynch-like syndrome. Last evaluated: 2019-07-01. Review status: no assertion criteria provided. Collection method: clinical testing. Allele origin: somatic. Affected: yes. Not counted in ClinVar's aggregate classification.